The following is an entry in ClinVar:

ClinVar aggregate classification (germline): Uncertain significance (1 of 4 stars; one submission).

Conditions:
Malignant hyperthermia, susceptibility to, 1 (MHS1). Also called: Anesthesia related hyperthermia; Malignant hyperpyrexia; Fulminating hyperpyrexia; Pharmacogenic myopathy; RYR1-Related Malignant Hyperthermia Susceptibility; Malignant hyperthermia suceptibility 1. Identifiers: Orphanet 423, MedGen C2930980, MONDO:0007783, OMIM 145600.

Submission:

All of Us Research Program, National Institutes of Health
Classification: Uncertain significance for Malignant hyperthermia, susceptibility to, 1. Last evaluated: 2024-05-09. Review status: criteria provided, single submitter. Criteria: ACMG Guidelines, 2015. Collection method: clinical testing. Allele origin: germline. Inheritance: Autosomal dominant inheritance. Observed: 1 variant allele, 1 heterozygote.
Comment: This study involves interpretation of variants in research participants for the purpose of population health screening. Participant phenotype was not available at the time of variant classification. Additional details can be found in publication PMID: 35346344, PMCID: PMC8962531

NM_000540.3(RYR1):c.1136A>G (p.Gln379Arg)

Gene: RYR1 (ryanodine receptor 1; plus strand). Cytogenetic location: 19q13.2.
Variant type: single nucleotide variant.
Coding change: c.1136A>G on transcript NM_000540.3 (MANE Select); coding-DNA position 1136, A replaced by G.
Protein change: p.Gln379Arg; replaces glutamine 379 with arginine.
Molecular consequence: missense variant.
Genome position (GRCh38, 1-based): chr19:38,451,777, A>G. VCF-style: chr19-38451777-A-G. GRCh37 (hg19) VCF-style: chr19-38942417-A-G.
Other names: c.1136A>G, p.Gln379Arg (NM_001042723.2); short protein forms Q379R.
Identifiers: ClinVar variation 3387640 (VCV003387640.1).